The following is an entry in ClinVar:

NM_001267550.2(TTN):c.106134C>A (p.Ala35378=)

Genes: TTN (titin; minus strand), TTN-AS1 (TTN antisense RNA 1; plus strand), LOC129935182 (ATAC-STARR-seq lymphoblastoid active region 16807; plus strand). Cytogenetic location: 2q31.2.
Variant type: single nucleotide variant.
Coding change: c.106134C>A on transcript NM_001267550.2 (MANE Select); coding-DNA position 106134, C replaced by A.
Protein change: p.Ala35378=; no amino-acid change (alanine 35378 retained).
Molecular consequence: synonymous variant.
Genome position (GRCh38, 1-based): chr2:178,530,481, G>T on the plus strand (C>A on the coding strand, the complement: TTN is on the minus strand). VCF-style: chr2-178530481-G-T. GRCh37 (hg19) VCF-style: chr2-179395208-G-T.
Other names: c.101211C>A, p.Ala33737= (NM_001256850.1); c.78939C>A, p.Ala26313= (NM_003319.4); c.98430C>A, p.Ala32810= (NM_133378.4); c.79314C>A, p.Ala26438= (NM_133432.3); c.79515C>A, p.Ala26505= (NM_133437.4).
Identifiers: ClinVar variation 1619812 (VCV001619812.12), dbSNP rs372562222, ClinGen allele CA1985158.

ClinVar aggregate classification (germline): Likely benign. Review status: criteria provided, multiple submitters, no conflicts (2 of 4 stars). 3 submissions from 3 submitters: Likely benign (2). 1 of the submissions does not count toward it. Last evaluated 2023-08-30.

Conditions:
TTN-related disorder. Also called: TTN-related disorders; TTN-related condition; TTN-related disease.
Cardiovascular phenotype. Identifiers: MedGen CN230736.
Autosomal recessive limb-girdle muscular dystrophy type 2J (LGMDR10). Also called: Limb-girdle muscular dystrophy, type 2J; MUSCULAR DYSTROPHY, LIMB-GIRDLE, AUTOSOMAL RECESSIVE 10. Identifiers: Orphanet 140922, MedGen C1837342, MONDO:0012127, OMIM 608807.
Dilated cardiomyopathy 1G (CMD1G). Identifiers: Orphanet 154, MedGen C1858763, MONDO:0011400, OMIM 604145.

Allele frequency attached by ClinVar (database versions not stated): gnomAD exomes below 0.00001 and 0.00002; ExAC 0.00002; gnomAD 0.00003; TOPMed 0.00003; ESP Exome Variant Server 0.00008.
gnomAD v4.1: 8 of 1,613,840 alleles (0.0005%); highest among the groups gnomAD compares: African/African-American, 0.0093%; 1 homozygote.

Submissions (3):

Ambry Genetics
Classification: Likely benign for Cardiovascular phenotype. Last evaluated: 2023-08-30. Review status: criteria provided, single submitter. Criteria: Ambry Variant Classification Scheme 2023. Collection method: clinical testing. Allele origin: germline.

Labcorp Genetics (formerly Invitae), Labcorp
Classification: Likely benign for Dilated cardiomyopathy 1G; Autosomal recessive limb-girdle muscular dystrophy type 2J. Last evaluated: 2021-12-09. Review status: criteria provided, single submitter. Criteria: Invitae Variant Classification Sherloc (09022015). Collection method: clinical testing. Allele origin: germline.

PreventionGenetics, part of Exact Sciences
Classification: Likely benign for TTN-related condition. Last evaluated: 2023-08-07. Review status: no assertion criteria provided. Collection method: clinical testing. Allele origin: germline. Not counted in ClinVar's aggregate classification.
Comment: This variant is classified as likely benign based on ACMG/AMP sequence variant interpretation guidelines (Richards et al. 2015 PMID: 25741868, with internal and published modifications).